The following is an entry in ClinVar:

ClinVar aggregate classification (germline): Conflicting classifications of pathogenicity. Review status: criteria provided, conflicting classifications (1 of 4 stars). 4 submissions from 4 submitters: Uncertain significance (1); Likely benign (3). Last evaluated 2025-08-17.

Conditions:
Hereditary cancer-predisposing syndrome. Also called: Neoplastic Syndromes, Hereditary; Tumor predisposition; Hereditary Cancer Syndrome; Hereditary neoplastic syndrome. Identifiers: Orphanet 140162, MedGen C0027672, MeSH D009386, MONDO:0015356.
Hereditary breast ovarian cancer syndrome. Also called: Breast and ovarian cancer; Hereditary breast and ovarian cancer; Hereditary breast and/or ovarian cancer syndrome; BRCA1- and BRCA2-Associated Hereditary Breast and Ovarian Cancer; Hereditary breast and ovarian cancer syndrome; Hereditary breast and ovarian cancer syndrome (HBOC). Identifiers: Orphanet 145, MedGen C0677776, MeSH D061325, MONDO:0003582. Disease mechanism: loss of function.

Allele frequency attached by ClinVar (database versions not stated): TOPMed 0.00001.
gnomAD v4.1: 2 of 1,604,626 alleles (0.00012%); highest among the groups gnomAD compares: Non-Finnish European, 0.00017%; no homozygotes.

Submissions (4):

Labcorp Genetics (formerly Invitae), Labcorp
Classification: Likely benign for Hereditary breast ovarian cancer syndrome. Last evaluated: 2025-08-17. Review status: criteria provided, single submitter. Criteria: Invitae Variant Classification Sherloc (09022015). Collection method: clinical testing. Allele origin: germline.

Color Diagnostics, LLC DBA Color Health
Classification: Likely benign for Hereditary cancer-predisposing syndrome. Last evaluated: 2025-06-24. Review status: criteria provided, single submitter. Criteria: ACMG Guidelines, 2015. Collection method: clinical testing. Allele origin: germline.

Ambry Genetics
Classification: Uncertain significance for Hereditary cancer-predisposing syndrome. Last evaluated: 2024-11-14. Review status: criteria provided, single submitter. Criteria: Ambry Variant Classification Scheme 2023. Collection method: clinical testing. Allele origin: germline.
Comment: The p.C279W variant (also known as c.837C>G), located in coding exon 9 of the BRCA2 gene, results from a C to G substitution at nucleotide position 837. The cysteine at codon 279 is replaced by tryptophan, an amino acid with highly dissimilar properties. This amino acid position is not well conserved in available vertebrate species. In addition, this alteration is predicted to be tolerated by in silico analysis. Since supporting evidence is limited at this time, the clinical significance of this alteration remains unclear.

University of Washington Department of Laboratory Medicine, University of Washington
Classification: Likely benign for Hereditary cancer-predisposing syndrome. Last evaluated: 2023-03-23. Review status: criteria provided, single submitter. Criteria: Dines et al. (Genet Med. 2020). Collection method: curation. Allele origin: germline.
Comment: Missense variant in a coldspot region where missense variants are very unlikely to be pathogenic (PMID:31911673).

BRCA2 exon 10 coldspot. Reclassification based on statistical prior probability.

NM_000059.4(BRCA2):c.837C>G (p.Cys279Trp)

Gene: BRCA2 (BRCA2 DNA repair associated; plus strand). Cytogenetic location: 13q13.1.
Variant type: single nucleotide variant.
Coding change: c.837C>G on transcript NM_000059.4 (MANE Select); coding-DNA position 837, C replaced by G.
Protein change: p.Cys279Trp; replaces cysteine 279 with tryptophan.
Molecular consequence: missense variant.
Genome position (GRCh38, 1-based): chr13:32,332,315, C>G. VCF-style: chr13-32332315-C-G. GRCh37 (hg19) VCF-style: chr13-32906452-C-G.
Other names: short protein forms C279W.
Identifiers: ClinVar variation 140991 (VCV000140991.15), dbSNP rs587781421, ClinGen allele CA025616.